The following is an entry in ClinVar:

ClinVar aggregate classification (germline): Uncertain significance. Review status: criteria provided, multiple submitters, no conflicts (2 of 4 stars). 2 submissions from 2 submitters: Uncertain significance (2). Last evaluated 2022-07-12.

Conditions:
Short-rib thoracic dysplasia 8 with or without polydactyly (SRTD8). Also called: SHORT-RIB THORACIC DYSPLASIA 8 WITH POLYDACTYLY. Identifiers: Orphanet 93271, MedGen C3809691, MONDO:0014214, OMIM 615503.

Allele frequency attached by ClinVar (database versions not stated): ExAC 0.00001; gnomAD 0.00001; gnomAD exomes 0.00001; TOPMed 0.00001.
gnomAD v4.1: 21 of 1,611,602 alleles (0.0013%); highest among the groups gnomAD compares: Middle Eastern, 0.13%; 1 homozygote.

Submissions (2):

Labcorp Genetics (formerly Invitae), Labcorp
Classification: Uncertain significance for Short-rib thoracic dysplasia 8 with or without polydactyly. Last evaluated: 2022-07-12. Review status: criteria provided, single submitter. Criteria: Invitae Variant Classification Sherloc (09022015). Collection method: clinical testing. Allele origin: germline.
Comment: ClinVar contains an entry for this variant (Variation ID: 1680664). In summary, the available evidence is currently insufficient to determine the role of this variant in disease. Therefore, it has been classified as a Variant of Uncertain Significance. Algorithms developed to predict the effect of missense changes on protein structure and function output the following: SIFT: "Tolerated"; PolyPhen-2: "Possibly Damaging"; Align-GVGD: "Class C0". The glycine amino acid residue is found in multiple mammalian species, which suggests that this missense change does not adversely affect protein function. This variant has not been reported in the literature in individuals affected with WDR60-related conditions. This variant is present in population databases (rs767594582, gnomAD 0.003%). This sequence change replaces aspartic acid, which is acidic and polar, with glycine, which is neutral and non-polar, at codon 380 of the WDR60 protein (p.Asp380Gly).

Laboratorio de Genetica e Diagnostico Molecular, Hospital Israelita Albert Einstein
Classification: Uncertain significance. Last evaluated: 2021-05-20. Review status: criteria provided, single submitter. Criteria: ACMG Guidelines, 2015. Collection method: clinical testing. Allele origin: germline. Affected: yes.
Comment: ACMG classification criteria: BP4

NM_018051.5(DYNC2I1):c.1139A>G (p.Asp380Gly)

Gene: DYNC2I1 (dynein 2 intermediate chain 1; plus strand). Cytogenetic location: 7q36.3.
Variant type: single nucleotide variant.
Coding change: c.1139A>G on transcript NM_018051.5 (MANE Select); coding-DNA position 1139, A replaced by G.
Protein change: p.Asp380Gly; replaces aspartic acid 380 with glycine.
Molecular consequence: missense variant. On other transcripts: 5 prime UTR variant (3).
Genome position (GRCh38, 1-based): chr7:158,902,377, A>G. VCF-style: chr7-158902377-A-G. GRCh37 (hg19) VCF-style: chr7-158695068-A-G.
Other names: c.1001A>G, p.Asp334Gly (NM_001350914.2); c.566A>G, p.Asp189Gly (NM_001350915.2); c.-220A>G (NM_001350916.2); c.-228A>G (NM_001350917.2, NM_001350918.2); short protein forms D189G, D334G, D380G.
Identifiers: ClinVar variation 1680664 (VCV001680664.8), dbSNP rs767594582, ClinGen allele CA4594547.